The following is an entry in ClinVar:

NM_001162383.2(ARHGEF2):c.858C>T (p.Leu286=)

Gene: ARHGEF2 (Rho/Rac guanine nucleotide exchange factor 2; minus strand). Cytogenetic location: 1q22.
Variant type: single nucleotide variant.
Coding change: c.858C>T on transcript NM_001162383.2 (MANE Select); coding-DNA position 858, C replaced by T.
Protein change: p.Leu286=; no amino-acid change (leucine 286 retained).
Molecular consequence: synonymous variant.
Genome position (GRCh38, 1-based): chr1:155,963,050, G>A on the plus strand (C>T on the coding strand, the complement: ARHGEF2 is on the minus strand). VCF-style: chr1-155963050-G-A. GRCh37 (hg19) VCF-style: chr1-155932841-G-A.
Other names: c.855C>T, p.Leu285= (NM_001162384.2); c.777C>T, p.Leu259= (NM_001350110.2, NM_001350111.2); c.804C>T, p.Leu268= (NM_001350112.2); c.774C>T, p.Leu258= (NM_004723.4).
Identifiers: ClinVar variation 2639443 (VCV002639443.24), dbSNP rs201083838, ClinGen allele CA1153417.

ClinVar aggregate classification (germline): Likely benign (1 of 4 stars; one submission).

Allele frequency attached by ClinVar (database versions not stated): TOPMed 0.00002; 1000 Genomes Project 30x 0.00016; gnomAD exomes 0.00017; 1000 Genomes Project 0.00020; gnomAD 0.00025; ExAC 0.00038.
gnomAD v4.1: 295 of 1,614,148 alleles (0.018%); highest among the groups gnomAD compares: Non-Finnish European, 0.0035%; no homozygotes.

Submission:

CeGaT Center for Human Genetics Tuebingen
Classification: Likely benign. Last evaluated: 2022-12-01. Review status: criteria provided, single submitter. Criteria: CeGaT Center For Human Genetics Tuebingen Variant Classification Criteria Version 2. Collection method: clinical testing. Allele origin: germline. Affected: yes. Observed: 1 variant allele.
Comment: ARHGEF2: BP4, BP7